The following is an entry in ClinVar:

NM_006015.6(ARID1A):c.6613G>A (p.Ala2205Thr)

Gene: ARID1A (AT-rich interaction domain 1A; plus strand). Cytogenetic location: 1p36.11.
Variant type: single nucleotide variant.
Coding change: c.6613G>A on transcript NM_006015.6 (MANE Select); coding-DNA position 6613, G replaced by A.
Protein change: p.Ala2205Thr; replaces alanine 2205 with threonine.
Molecular consequence: missense variant.
Genome position (GRCh38, 1-based): chr1:26,780,511, G>A. VCF-style: chr1-26780511-G-A. GRCh37 (hg19) VCF-style: chr1-27107002-G-A.
Other names: c.5962G>A, p.Ala1988Thr (NM_139135.4); short protein forms A1988T, A2205T.
Identifiers: ClinVar variation 1806764 (VCV001806764.6), dbSNP rs141992367, ClinGen allele CA707859.

ClinVar aggregate classification (germline): Conflicting classifications of pathogenicity. Review status: criteria provided, conflicting classifications (1 of 4 stars). 3 submissions from 3 submitters: Uncertain significance (1); Likely benign (2). Last evaluated 2024-03-10.

Conditions:
Inborn genetic diseases. Identifiers: MedGen C0950123, MeSH D030342.

Allele frequency attached by ClinVar (database versions not stated): ExAC 0.00002; gnomAD 0.00002; gnomAD exomes 0.00002; TOPMed 0.00005; ESP Exome Variant Server 0.00015.
gnomAD v4.1: 37 of 1,614,038 alleles (0.0023%); highest among the groups gnomAD compares: African/African-American, 0.004%; no homozygotes.

Submissions (3):

Labcorp Genetics (formerly Invitae), Labcorp
Classification: Uncertain significance. Last evaluated: 2024-03-10. Review status: criteria provided, single submitter. Criteria: Invitae Variant Classification Sherloc (09022015). Collection method: clinical testing. Allele origin: germline.
Comment: This sequence change replaces alanine, which is neutral and non-polar, with threonine, which is neutral and polar, at codon 2205 of the ARID1A protein (p.Ala2205Thr). This variant is present in population databases (rs141992367, gnomAD 0.004%). This variant has not been reported in the literature in individuals affected with ARID1A-related conditions. ClinVar contains an entry for this variant (Variation ID: 1806764). Advanced modeling of protein sequence and biophysical properties (such as structural, functional, and spatial information, amino acid conservation, physicochemical variation, residue mobility, and thermodynamic stability) performed at Invitae indicates that this missense variant is not expected to disrupt ARID1A protein function with a negative predictive value of 80%. In summary, the available evidence is currently insufficient to determine the role of this variant in disease. Therefore, it has been classified as a Variant of Uncertain Significance.

Ambry Genetics
Classification: Likely benign for Inborn genetic diseases. Last evaluated: 2023-12-20. Review status: criteria provided, single submitter. Criteria: Ambry Variant Classification Scheme 2023. Collection method: clinical testing. Allele origin: germline.

GeneDx
Classification: Likely benign. Last evaluated: 2022-12-28. Review status: criteria provided, single submitter. Criteria: GeneDx Variant Classification Process June 2021. Collection method: clinical testing. Allele origin: germline. Affected: yes.
Comment: See Variant Classification Assertion Criteria.